The following is an entry in ClinVar:

ClinVar aggregate classification (germline): Likely benign (0 of 4 stars; one submission).

Conditions:
DDX10-related disorder. Also called: DDX10-related condition.

Allele frequency attached by ClinVar (database versions not stated): gnomAD exomes 0.00006; ExAC 0.00027; gnomAD 0.00066; TOPMed 0.00084; 1000 Genomes Project 0.00120; ESP Exome Variant Server 0.00123; 1000 Genomes Project 30x 0.00125.
gnomAD v4.1: 192 of 1,613,970 alleles (0.012%); highest among the groups gnomAD compares: African/African-American, 0.2%; no homozygotes.

Submission:

PreventionGenetics, part of Exact Sciences
Classification: Likely benign for DDX10-related condition. Last evaluated: 2019-07-12. Review status: no assertion criteria provided. Collection method: clinical testing. Allele origin: germline.
Comment: This variant is classified as likely benign based on ACMG/AMP sequence variant interpretation guidelines (Richards et al. 2015 PMID: 25741868, with internal and published modifications).

NM_004398.4(DDX10):c.2505C>T (p.Asp835=)

Gene: DDX10 (DEAD-box helicase 10; plus strand). Cytogenetic location: 11q22.3.
Variant type: single nucleotide variant.
Coding change: c.2505C>T on transcript NM_004398.4 (MANE Select); coding-DNA position 2505, C replaced by T.
Protein change: p.Asp835=; no amino-acid change (aspartic acid 835 retained).
Molecular consequence: synonymous variant.
Genome position (GRCh38, 1-based): chr11:108,940,300, C>T. VCF-style: chr11-108940300-C-T. GRCh37 (hg19) VCF-style: chr11-108811027-C-T.
Identifiers: ClinVar variation 3049863 (VCV003049863.2), dbSNP rs141057339, ClinGen allele CA6269221.